The following is an entry in ClinVar:

NM_015512.5(DNAH1):c.10642C>A (p.Leu3548Ile)

Gene: DNAH1 (dynein axonemal heavy chain 1; plus strand). Cytogenetic location: 3p21.1.
Variant type: single nucleotide variant.
Coding change: c.10642C>A on transcript NM_015512.5 (MANE Select); coding-DNA position 10642, C replaced by A.
Protein change: p.Leu3548Ile; replaces leucine 3548 with isoleucine.
Molecular consequence: missense variant.
Genome position (GRCh38, 1-based): chr3:52,394,480, C>A. VCF-style: chr3-52394480-C-A. GRCh37 (hg19) VCF-style: chr3-52428496-C-A.
Other names: short protein forms L3548I.
Identifiers: ClinVar variation 2168871 (VCV002168871.4), dbSNP rs758058357, ClinGen allele CA353205278.

ClinVar aggregate classification (germline): Uncertain significance (1 of 4 stars; one submission).

Conditions:
Spermatogenic failure 18. Identifiers: MedGen C4539783, MONDO:0054615, OMIM 617576.
Ciliary dyskinesia, primary, 37 (CILD37). Also called: CILIARY DYSKINESIA, PRIMARY, 37, WITH OR WITHOUT SITUS INVERSUS. Identifiers: MedGen C4539798, MONDO:0033204, OMIM 617577.

Allele frequency attached by ClinVar (database versions not stated): gnomAD 0.00001.
gnomAD v4.1: 2 of 1,613,892 alleles (0.00012%); highest among the groups gnomAD compares: South Asian, 0.0011%; no homozygotes.

Submission:

Labcorp Genetics (formerly Invitae), Labcorp
Classification: Uncertain significance for Ciliary dyskinesia, primary, 37; Spermatogenic failure 18. Last evaluated: 2022-07-25. Review status: criteria provided, single submitter. Criteria: Invitae Variant Classification Sherloc (09022015). Collection method: clinical testing. Allele origin: germline.
Comment: In summary, the available evidence is currently insufficient to determine the role of this variant in disease. Therefore, it has been classified as a Variant of Uncertain Significance. Algorithms developed to predict the effect of missense changes on protein structure and function are either unavailable or do not agree on the potential impact of this missense change (SIFT: "Deleterious"; PolyPhen-2: "Probably Damaging"; Align-GVGD: "Class C0"). This variant has not been reported in the literature in individuals affected with DNAH1-related conditions. This variant is not present in population databases (gnomAD no frequency). This sequence change replaces leucine, which is neutral and non-polar, with isoleucine, which is neutral and non-polar, at codon 3548 of the DNAH1 protein (p.Leu3548Ile).